The following is an entry in ClinVar:

ClinVar aggregate classification (germline): Uncertain significance. Review status: criteria provided, multiple submitters, no conflicts (2 of 4 stars). 4 submissions from 4 submitters: Uncertain significance (4). Last evaluated 2025-09-08.

Conditions:
Malignant hyperthermia, susceptibility to, 1 (MHS1). Also called: RYR1-Related Malignant Hyperthermia Susceptibility; Malignant hyperthermia suceptibility 1; Anesthesia related hyperthermia; Malignant hyperpyrexia; Fulminating hyperpyrexia; Pharmacogenic myopathy. Identifiers: Orphanet 423, MedGen C2930980, MONDO:0007783, OMIM 145600.
RYR1-related disorder. Also called: RYR1-related condition; RYR1-related disorders. Identifiers: MedGen CN239331.

Allele frequency attached by ClinVar (database versions not stated): gnomAD 0.00001; TOPMed 0.00001.
gnomAD v4.1: 8 of 1,611,944 alleles (0.0005%); highest among the groups gnomAD compares: South Asian, 0.0011%; no homozygotes.

Submissions (4):

Color Diagnostics, LLC DBA Color Health
Classification: Uncertain significance for Malignant hyperthermia, susceptibility to, 1. Last evaluated: 2025-09-08. Review status: criteria provided, single submitter. Criteria: ACMG Guidelines, 2015. Collection method: clinical testing. Allele origin: germline.
Comment: This missense variant replaces valine with methionine at codon 2111 of the RYR1 protein. Computational prediction suggests that this variant may not impact protein structure and function. To our knowledge, functional studies have not been reported for this variant. This variant has not been reported in individuals affected with RYR1-related disorders in the literature. This variant has been identified in 3/249316 chromosomes in the general population by the Genome Aggregation Database (gnomAD). The available evidence is insufficient to determine the role of this variant in disease conclusively. Therefore, this variant is classified as a Variant of Uncertain Significance.

All of Us Research Program, National Institutes of Health
Classification: Uncertain significance for Malignant hyperthermia, susceptibility to, 1. Last evaluated: 2023-12-01. Review status: criteria provided, single submitter. Criteria: ACMG Guidelines, 2015. Collection method: clinical testing. Allele origin: germline. Inheritance: Autosomal dominant inheritance. Observed: 1 variant allele, 1 heterozygote.
Comment: This study involves interpretation of variants in research participants for the purpose of population health screening. Participant phenotype was not available at the time of variant classification. Additional details can be found in publication PMID: 35346344, PMCID: PMC8962531

Labcorp Genetics (formerly Invitae), Labcorp
Classification: Uncertain significance for RYR1-related disorder. Last evaluated: 2022-06-08. Review status: criteria provided, single submitter. Criteria: Invitae Variant Classification Sherloc (09022015). Collection method: clinical testing. Allele origin: germline.
Comment: This sequence change replaces valine, which is neutral and non-polar, with methionine, which is neutral and non-polar, at codon 2111 of the RYR1 protein (p.Val2111Met). This variant is present in population databases (rs773607432, gnomAD 0.003%). This variant has not been reported in the literature in individuals affected with RYR1-related conditions. Advanced modeling of protein sequence and biophysical properties (such as structural, functional, and spatial information, amino acid conservation, physicochemical variation, residue mobility, and thermodynamic stability) performed at Invitae indicates that this missense variant is not expected to disrupt RYR1 protein function. In summary, the available evidence is currently insufficient to determine the role of this variant in disease. Therefore, it has been classified as a Variant of Uncertain Significance.

Revvity Omics, Revvity
Classification: Uncertain significance. Last evaluated: 2020-03-18. Review status: criteria provided, single submitter. Criteria: ACMG Guidelines, 2015. Collection method: clinical testing. Allele origin: germline.

NM_000540.3(RYR1):c.6331G>A (p.Val2111Met)

Gene: RYR1 (ryanodine receptor 1; plus strand). Cytogenetic location: 19q13.2.
Variant type: single nucleotide variant.
Coding change: c.6331G>A on transcript NM_000540.3 (MANE Select); coding-DNA position 6331, G replaced by A.
Protein change: p.Val2111Met; replaces valine 2111 with methionine.
Molecular consequence: missense variant.
Genome position (GRCh38, 1-based): chr19:38,494,408, G>A. VCF-style: chr19-38494408-G-A. GRCh37 (hg19) VCF-style: chr19-38985048-G-A.
Other names: c.6331G>A, p.Val2111Met (NM_001042723.2); short protein forms V2111M.
Identifiers: ClinVar variation 2170259 (VCV002170259.6), dbSNP rs773607432, ClinGen allele CA068116.
Genomic context (GRCh38, chr19:38,494,408, plus strand): 5'-CCAGGGTCCCTGCAGGAGCTGGTGTCCCACATGGTGGTGCGCTGGGCCCAAGAGGACTTC[G>A]TGCAGAGCCCCGAGCTGGTGCGGGCCATGTTCAGCCTCCTGCACCGGCAGTACGACGGGC-3'
Protein context (NP_000531.2, residues 2101-2121): MVVRWAQEDF[Val2111Met]QSPELVRAMF